The following is an entry in ClinVar:

ClinVar aggregate classification (germline): Uncertain significance (1 of 4 stars; one submission).

Submission:

GeneDx
Classification: Uncertain significance. Last evaluated: 2022-04-04. Review status: criteria provided, single submitter. Criteria: GeneDx Variant Classification Process June 2021. Collection method: clinical testing. Allele origin: germline. Affected: yes.
Comment: Not observed at significant frequency in large population cohorts (gnomAD); In silico analysis supports that this missense variant does not alter protein structure/function; Has not been previously published as pathogenic or benign to our knowledge

NM_183357.3(ADCY5):c.1033G>T (p.Val345Leu)

Gene: ADCY5 (adenylate cyclase 5; minus strand). Cytogenetic location: 3q21.1.
Variant type: single nucleotide variant.
Coding change: c.1033G>T on transcript NM_183357.3 (MANE Select); coding-DNA position 1033, G replaced by T.
Protein change: p.Val345Leu; replaces valine 345 with leucine.
Molecular consequence: missense variant.
Genome position (GRCh38, 1-based): chr3:123,447,513, C>A on the plus strand (G>T on the coding strand, the complement: ADCY5 is on the minus strand). VCF-style: chr3-123447513-C-A. GRCh37 (hg19) VCF-style: chr3-123166360-C-A.
Other names: c.1033G>T, p.Val345Leu (NM_001378259.1); short protein forms V345L.
Identifiers: ClinVar variation 1708577 (VCV001708577.2), dbSNP rs1268494680, ClinGen allele CA354356092.